The following is an entry in ClinVar:

NR_182304.1(SLC39A13-AS1):n.347dup

Gene: SLC39A13-AS1 (SLC39A13 antisense RNA 1; minus strand). Cytogenetic location: 11p11.2.
Variant type: Duplication.
Molecular consequence: non-coding transcript variant (on NR_182304.1).
Genome position: GRCh38 VCF-style: chr11-47395561-C-CG. GRCh37 (hg19) VCF-style: chr11-47417112-C-CG.
Identifiers: ClinVar variation 3250508 (VCV003250508.18), dbSNP rs565330072.
Genomic context (GRCh38, chr11:47,395,561, plus strand): 5'-GGTCCCCCAGGCCTAGCCCTTGGAAGGAGACAGGAGTCTAGGGAGGCTGAAGCCCACTCC[C>CG]GGGGAGGCCCGTGCTCCTCCAGCCCCAGGGACAGCAAGGAAAAGAGAAGAGAGCAGAGCA-3'

ClinVar aggregate classification (germline): Benign (1 of 4 stars; one submission).

Submission:

CeGaT Center for Human Genetics Tuebingen
Classification: Benign. Last evaluated: 2026-08-01. Review status: criteria provided, single submitter. Criteria: CeGaT Center For Human Genetics Tuebingen Variant Classification Criteria Version 2. Collection method: clinical testing. Allele origin: germline. Affected: yes. Observed: 13 variant alleles.
Comment: SLC39A13-AS1: BS1, BS2